The following is an entry in ClinVar:

NM_004260.4(RECQL4):c.146A>G (p.Lys49Arg)

Genes: RECQL4 (RecQ like helicase 4; minus strand), LOC130001411 (ATAC-STARR-seq lymphoblastoid silent region 19699; plus strand). Cytogenetic location: 8q24.3.
Variant type: single nucleotide variant.
Coding change: c.146A>G on transcript NM_004260.4 (MANE Select); coding-DNA position 146, A replaced by G.
Protein change: p.Lys49Arg; replaces lysine 49 with arginine.
Molecular consequence: missense variant.
Genome position (GRCh38, 1-based): chr8:144,517,481, T>C on the plus strand (A>G on the coding strand, the complement: RECQL4 is on the minus strand). VCF-style: chr8-144517481-T-C. GRCh37 (hg19) VCF-style: chr8-145742865-T-C.
Other names: c.-988A>G (NM_001413031.1, NM_001413041.1, NM_001413027.1 and 1 more transcripts); c.-885A>G (NM_001413032.1); c.146A>G, p.Lys49Arg (NM_001413033.1, NM_001413036.1, NM_001413039.1 and 5 more transcripts); c.-830A>G (NM_001413034.1); c.-823A>G (NM_001413035.1, NM_001413024.1); c.-926A>G (NM_001413037.1, NM_001413038.1, NM_001413042.1 and 2 more transcripts); c.-1195A>G (NM_001413043.1); c.-575A>G (NM_001413021.1); and 1 more; short protein forms K49R.
Identifiers: ClinVar variation 1718034 (VCV001718034.6), dbSNP rs1432766447, ClinGen allele CA372692709.

ClinVar aggregate classification (germline): Uncertain significance (1 of 4 stars; one submission).

Conditions:
Baller-Gerold syndrome (BGS). Also called: CRANIOSYNOSTOSIS WITH RADIAL DEFECTS. Identifiers: Orphanet 1225, MedGen C0265308, MONDO:0009039, OMIM 218600.

Allele frequency attached by ClinVar (database versions not stated): TOPMed below 0.00001; gnomAD 0.00001.
gnomAD v4.1: 4 of 1,597,400 alleles (0.00025%); highest among the groups gnomAD compares: Non-Finnish European, 0.00034%; no homozygotes.

Submission:

Labcorp Genetics (formerly Invitae), Labcorp
Classification: Uncertain significance for Baller-Gerold syndrome. Last evaluated: 2023-11-17. Review status: criteria provided, single submitter. Criteria: Invitae Variant Classification Sherloc (09022015). Collection method: clinical testing. Allele origin: germline.
Comment: This sequence change replaces lysine, which is basic and polar, with arginine, which is basic and polar, at codon 49 of the RECQL4 protein (p.Lys49Arg). This variant is not present in population databases (gnomAD no frequency). This variant has not been reported in the literature in individuals affected with RECQL4-related conditions. ClinVar contains an entry for this variant (Variation ID: 1718034). Experimental studies and prediction algorithms are not available or were not evaluated, and the functional significance of this variant is currently unknown. In summary, the available evidence is currently insufficient to determine the role of this variant in disease. Therefore, it has been classified as a Variant of Uncertain Significance.